The following is an entry in ClinVar:

ClinVar aggregate classification (germline): Benign/Likely benign. Review status: criteria provided, multiple submitters, no conflicts (2 of 4 stars). 6 submissions from 6 submitters: Benign (1); Likely benign (5). Last evaluated 2026-01-28.

Conditions:
Familial cancer of breast. Also called: hereditary breast carcinoma; Hereditary breast cancer; BREAST CANCER, FAMILIAL. Identifiers: Orphanet 227535, MedGen C0346153, MONDO:0016419, OMIM 114480. Disease mechanism: loss of function.
Ataxia-telangiectasia syndrome (AT). Also called: LOUIS-BAR SYNDROME; Ataxia-telangiectasia, complementation group D; AT, COMPLEMENTATION GROUP C; Ataxia-telangiectasia, complementation group E; Ataxia telangiectasia (A-T); Cerebello-oculocutaneous telangiectasia. Identifiers: Orphanet 100, MedGen C0004135, MONDO:0008840, OMIM 208900.
Hereditary cancer-predisposing syndrome. Also called: Neoplastic Syndromes, Hereditary; Hereditary Cancer Syndrome; Tumor predisposition; Hereditary neoplastic syndrome. Identifiers: Orphanet 140162, MedGen C0027672, MeSH D009386, MONDO:0015356.

Allele frequency attached by ClinVar (database versions not stated): gnomAD exomes 0.00001 and 0.00002; TOPMed 0.00001; ExAC 0.00002.
gnomAD v4.1: 5 of 1,612,430 alleles (0.00031%); highest among the groups gnomAD compares: Admixed American, 0.0083%; no homozygotes.

Submissions (6):

Labcorp Genetics (formerly Invitae), Labcorp
Classification: Likely benign for Ataxia-telangiectasia syndrome. Last evaluated: 2026-01-28. Review status: criteria provided, single submitter. Criteria: Invitae Variant Classification Sherloc (09022015). Collection method: clinical testing. Allele origin: germline.

Myriad Genetics, Inc.
Classification: Benign for Familial cancer of breast. Last evaluated: 2024-04-19. Review status: criteria provided, single submitter. Criteria: Myriad Autosomal Dominant, Autosomal Recessive and X-Linked Classification Criteria (2023). Collection method: clinical testing. Allele origin: unknown.
Comment: This variant is considered benign. This variant is a silent/synonymous amino acid change and it is not expected to impact splicing.

Blueprint Genetics
Classification: Likely benign. Last evaluated: 2022-05-23. Review status: criteria provided, single submitter. Criteria: ACMG Guidelines, 2015. Collection method: clinical testing. Allele origin: germline.

Color Diagnostics, LLC DBA Color Health
Classification: Likely benign for Hereditary cancer-predisposing syndrome. Last evaluated: 2019-02-22. Review status: criteria provided, single submitter. Criteria: ACMG Guidelines, 2015. Collection method: clinical testing. Allele origin: germline.

GeneDx
Classification: Likely benign. Last evaluated: 2017-01-04. Review status: criteria provided, single submitter. Criteria: GeneDx Variant Classification (06012015). Collection method: clinical testing. Allele origin: germline. Affected: yes.
Comment: This variant is considered likely benign or benign based on one or more of the following criteria: it is a conservative change, it occurs at a poorly conserved position in the protein, it is predicted to be benign by multiple in silico algorithms, and/or has population frequency not consistent with disease.

Ambry Genetics
Classification: Likely benign for Hereditary cancer-predisposing syndrome. Last evaluated: 2015-04-05. Review status: criteria provided, single submitter. Criteria: Ambry Variant Classification Scheme 2023. Collection method: clinical testing. Allele origin: germline.

NM_000051.4(ATM):c.381A>G (p.Thr127=)

Gene: ATM (ATM serine/threonine kinase; plus strand). Cytogenetic location: 11q22.3.
Variant type: single nucleotide variant.
Coding change: c.381A>G on transcript NM_000051.4 (MANE Select); coding-DNA position 381, A replaced by G.
Protein change: p.Thr127=; no amino-acid change (threonine 127 retained).
Molecular consequence: synonymous variant.
Genome position (GRCh38, 1-based): chr11:108,235,719, A>G. VCF-style: chr11-108235719-A-G. GRCh37 (hg19) VCF-style: chr11-108106446-A-G.
Other names: c.381A>G, p.Thr127= (NM_001351834.2).
Identifiers: ClinVar variation 231171 (VCV000231171.20), dbSNP rs762582522, ClinGen allele CA6264596.
Genomic context (GRCh38, chr11:108,235,719, plus strand): 5'-TTTTGAAATAGGAGCACCTAGGCTAAAATGTCAAGAACTCTTAAATTATATCATGGATAC[A>G]GTGAAAGATTCATCTAATGGTGCTATTTACGGAGCTGATTGTAGCAACATACTACTCAAA-3'
Protein context (NP_000042.3, residues 117-137): CQELLNYIMD[Thr127=]VKDSSNGAIY